The following is an entry in ClinVar:

NM_004415.4(DSP):c.7006G>A (p.Val2336Ile)

Gene: DSP (desmoplakin; plus strand). Cytogenetic location: 6p24.3.
Variant type: single nucleotide variant.
Coding change: c.7006G>A on transcript NM_004415.4 (MANE Select); coding-DNA position 7006, G replaced by A.
Protein change: p.Val2336Ile; replaces valine 2336 with isoleucine.
Molecular consequence: missense variant.
Genome position (GRCh38, 1-based): chr6:7,584,268, G>A. VCF-style: chr6-7584268-G-A. GRCh37 (hg19) VCF-style: chr6-7584501-G-A.
Other names: c.5209G>A, p.Val1737Ile (NM_001008844.3); c.5677G>A, p.Val1893Ile (NM_001319034.2); short protein forms V1893I, V2336I, V1737I.
Identifiers: ClinVar variation 3842686 (VCV003842686.1).
Genomic context (GRCh38, chr6:7,584,268, plus strand): 5'-TACAAGAGAGGTCTGGTGGGCATTGAGTTCAAAGAGAAGCTCCTGTCTGCAGAACGAGCT[G>A]TCACTGGGTATAATGATCCTGAAACAGGAAACATCATCTCTTTGTTCCAAGCCATGAATA-3'
Protein context (NP_004406.2, residues 2326-2346): KEKLLSAERA[Val2336Ile]TGYNDPETGN

ClinVar aggregate classification (germline): Uncertain significance (1 of 4 stars; one submission).

Conditions:
Cardiovascular phenotype. Identifiers: MedGen CN230736.

Submission:

Ambry Genetics
Classification: Uncertain significance for Cardiovascular phenotype. Last evaluated: 2024-12-14. Review status: criteria provided, single submitter. Criteria: Ambry Variant Classification Scheme 2023. Collection method: clinical testing. Allele origin: germline.
Comment: The p.V2336I variant (also known as c.7006G>A), located in coding exon 24 of the DSP gene, results from a G to A substitution at nucleotide position 7006. The valine at codon 2336 is replaced by isoleucine, an amino acid with highly similar properties. This amino acid position is conserved. In addition, the in silico prediction for this alteration is inconclusive. Based on the available evidence, the clinical significance of this variant remains unclear.